The following is an entry in ClinVar:

NM_000179.3(MSH6):c.2275del (p.Leu758_Leu759insTer)

Gene: MSH6 (mutS homolog 6; plus strand). Cytogenetic location: 2p16.3.
Variant type: Deletion.
Coding change: c.2275del on transcript NM_000179.3 (MANE Select); coding-DNA position 2275, one base deleted (C; older notation c.2275delC).
Protein change: p.Leu758_Leu759insTer.
Molecular consequence: nonsense. On other transcripts: frameshift variant (34).
Genome position (GRCh38, 1-based): chr2:47,800,258, C deleted. VCF-style (leftmost placement, unchanged base first): chr2-47800257-AC-A. GRCh37 (hg19) VCF-style: chr2-48027396-AC-A.
Other names: c.1885del, p.Leu628_Leu629insTer (NM_001281492.2); c.1369del, p.Leu456_Leu457insTer (NM_001281493.2, NM_001281494.2); c.2371delC, p.Leu791Terfs (NM_001406795.1, NM_001406802.1); c.2275delC, p.Leu759Terfs (NM_001406796.1, NM_001406798.1, NM_001406800.1 and 3 more transcripts); c.1978delC, p.Leu660Terfs (NM_001406797.1, NM_001406801.1, NM_001406805.1 and 10 more transcripts); c.1750delC, p.Leu584Terfs (NM_001406799.1, NM_001406806.1, NM_001406807.1); c.2197delC, p.Leu733Terfs (NM_001406804.1); c.1369delC, p.Leu457Terfs (NM_001406811.1, NM_001406812.1, NM_001406814.1 and 4 more transcripts); and 2 more.
Identifiers: ClinVar variation 1788849 (VCV001788849.6), dbSNP rs2530662046, ClinGen allele CA2580067811.

ClinVar aggregate classification (germline): Pathogenic. Review status: criteria provided, multiple submitters, no conflicts (2 of 4 stars). 3 submissions from 3 submitters: Pathogenic (3). Last evaluated 2025-09-25.

Conditions:
Hereditary cancer-predisposing syndrome. Also called: Hereditary Cancer Syndrome; Hereditary neoplastic syndrome; Tumor predisposition; Neoplastic Syndromes, Hereditary. Identifiers: Orphanet 140162, MedGen C0027672, MeSH D009386, MONDO:0015356.
Hereditary nonpolyposis colorectal neoplasms. Identifiers: MedGen C0009405, MeSH D003123.
Lynch syndrome 5 (LYNCH5). Also called: Hereditary non-polyposis colorectal cancer, type 5; Colorectal cancer, hereditary nonpolyposis, type 5. Identifiers: Orphanet 144, MedGen C1833477, MONDO:0013710, OMIM 614350. Disease mechanism: loss of function.

Submissions (3):

Ambry Genetics
Classification: Pathogenic for Hereditary cancer-predisposing syndrome. Last evaluated: 2025-09-25. Review status: criteria provided, single submitter. Criteria: Ambry Variant Classification Scheme 2023. Collection method: clinical testing. Allele origin: germline.
Comment: The c.2275delC pathogenic mutation, located in coding exon 4 of the MSH6 gene, results from a deletion of one nucleotide at nucleotide position 2275, causing a translational frameshift with a predicted alternate stop codon (p.L759*). This variant is considered to be rare based on population cohorts in the Genome Aggregation Database (gnomAD). This alteration is expected to result in loss of function by premature protein truncation or nonsense-mediated mRNA decay. As such, this alteration is interpreted as a disease-causing mutation.

Labcorp Genetics (formerly Invitae), Labcorp
Classification: Pathogenic for Hereditary nonpolyposis colorectal neoplasms. Last evaluated: 2024-04-11. Review status: criteria provided, single submitter. Criteria: Invitae Variant Classification Sherloc (09022015). Collection method: clinical testing. Allele origin: germline.
Comment: This sequence change creates a premature translational stop signal (p.Leu759*) in the MSH6 gene. It is expected to result in an absent or disrupted protein product. Loss-of-function variants in MSH6 are known to be pathogenic (PMID: 18269114, 24362816). This variant is not present in population databases (gnomAD no frequency). This premature translational stop signal has been observed in individual(s) with Lynch syndrome (PMID: 30702970). ClinVar contains an entry for this variant (Variation ID: 1788849). For these reasons, this variant has been classified as Pathogenic.

Myriad Genetics, Inc.
Classification: Pathogenic for Lynch syndrome 5. Last evaluated: 2023-08-16. Review status: criteria provided, single submitter. Criteria: Myriad Autosomal Dominant, Autosomal Recessive and X-Linked Classification Criteria (2023). Collection method: clinical testing. Allele origin: unknown.
Comment: This variant is considered pathogenic. This variant creates a termination codon and is predicted to result in premature protein truncation.

Literature cited by the submitters: PubMed 18269114 (cited by Labcorp Genetics (formerly Invitae), Labcorp); PubMed 24362816 (cited by Labcorp Genetics (formerly Invitae), Labcorp); PubMed 30702970 (cited by Labcorp Genetics (formerly Invitae), Labcorp).